The following is an entry in ClinVar:

ClinVar aggregate classification (germline): Conflicting classifications of pathogenicity. Review status: criteria provided, conflicting classifications (1 of 4 stars). 5 submissions from 5 submitters: Uncertain significance (4); Likely benign (1). Last evaluated 2025-06-04.

Conditions:
Hereditary breast ovarian cancer syndrome. Also called: Hereditary breast and ovarian cancer; Hereditary breast and/or ovarian cancer syndrome; BRCA1- and BRCA2-Associated Hereditary Breast and Ovarian Cancer; Hereditary breast and ovarian cancer syndrome; Hereditary breast and ovarian cancer syndrome (HBOC); Breast and ovarian cancer. Identifiers: Orphanet 145, MedGen C0677776, MeSH D061325, MONDO:0003582. Disease mechanism: loss of function.
Hereditary cancer-predisposing syndrome. Also called: Tumor predisposition; Hereditary Cancer Syndrome; Hereditary neoplastic syndrome; Neoplastic Syndromes, Hereditary. Identifiers: Orphanet 140162, MedGen C0027672, MeSH D009386, MONDO:0015356.

Allele frequency attached by ClinVar (database versions not stated): gnomAD exomes below 0.00001; ExAC 0.00001.

Submissions (5):

Labcorp Genetics (formerly Invitae), Labcorp
Classification: Uncertain significance for Hereditary breast ovarian cancer syndrome. Last evaluated: 2025-06-04. Review status: criteria provided, single submitter. Criteria: Invitae Variant Classification Sherloc (09022015). Collection method: clinical testing. Allele origin: germline.
Comment: This sequence change replaces asparagine, which is neutral and polar, with aspartic acid, which is acidic and polar, at codon 1600 of the BRCA2 protein (p.Asn1600Asp). This variant is present in population databases (rs774484160, gnomAD 0.006%). This variant has not been reported in the literature in individuals affected with BRCA2-related conditions. ClinVar contains an entry for this variant (Variation ID: 409505). Invitae Evidence Modeling of protein sequence and biophysical properties (such as structural, functional, and spatial information, amino acid conservation, physicochemical variation, residue mobility, and thermodynamic stability) indicates that this missense variant is not expected to disrupt BRCA2 protein function with a negative predictive value of 95%. In summary, the available evidence is currently insufficient to determine the role of this variant in disease. Therefore, it has been classified as a Variant of Uncertain Significance.

University of Washington Department of Laboratory Medicine, University of Washington
Classification: Likely benign for Hereditary cancer-predisposing syndrome. Last evaluated: 2023-03-23. Review status: criteria provided, single submitter. Criteria: Dines et al. (Genet Med. 2020). Collection method: curation. Allele origin: germline.
Comment: Missense variant in a coldspot region where missense variants are very unlikely to be pathogenic (PMID:31911673).

BRCA2 exon 11 coldspot. Reclassification based on statistical prior probability.

GeneDx
Classification: Uncertain significance. Last evaluated: 2020-02-27. Review status: criteria provided, single submitter. Criteria: GeneDx Variant Classification Process June 2021. Collection method: clinical testing. Allele origin: germline. Affected: yes.
Comment: Not observed at a significant frequency in large population cohorts (Lek et al., 2016); In silico analysis supports that this missense variant does not alter protein structure/function; Has not been previously published as pathogenic or benign to our knowledge; Also known as 5026A>G

Quest Diagnostics Nichols Institute San Juan Capistrano
Classification: Uncertain significance. Last evaluated: 2020-02-14. Review status: criteria provided, single submitter. Criteria: Quest Diagnostics criteria. Collection method: clinical testing. Allele origin: unknown.

Ambry Genetics
Classification: Uncertain significance for Hereditary cancer-predisposing syndrome. Last evaluated: 2017-09-12. Review status: criteria provided, single submitter. Criteria: Ambry Variant Classification Scheme 2023. Collection method: clinical testing. Allele origin: germline.
Comment: The p.N1600D variant (also known as c.4798A>G), located in coding exon 10 of the BRCA2 gene, results from an A to G substitution at nucleotide position 4798. The asparagine at codon 1600 is replaced by aspartic acid, an amino acid with highly similar properties. This amino acid position is poorly conserved in available vertebrate species. In addition, this alteration is predicted to be tolerated by in silico analysis. Since supporting evidence is limited at this time, the clinical significance of this alteration remains unclear.

NM_000059.4(BRCA2):c.4798A>G (p.Asn1600Asp)

Gene: BRCA2 (BRCA2 DNA repair associated; plus strand). Cytogenetic location: 13q13.1.
Variant type: single nucleotide variant.
Coding change: c.4798A>G on transcript NM_000059.4 (MANE Select); coding-DNA position 4798, A replaced by G.
Protein change: p.Asn1600Asp; replaces asparagine 1600 with aspartic acid.
Molecular consequence: missense variant.
Genome position (GRCh38, 1-based): chr13:32,339,153, A>G. VCF-style: chr13-32339153-A-G. GRCh37 (hg19) VCF-style: chr13-32913290-A-G.
Other names: short protein forms N1600D.
Identifiers: ClinVar variation 409505 (VCV000409505.20), dbSNP rs774484160, ClinGen allele CA6940814.